The following is an entry in ClinVar:

NM_031220.4(PITPNM3):c.1126G>C (p.Ala376Pro)

Gene: PITPNM3 (PITPNM family member 3; minus strand). Cytogenetic location: 17p13.2.
Variant type: single nucleotide variant.
Coding change: c.1126G>C on transcript NM_031220.4 (MANE Select); coding-DNA position 1126, G replaced by C.
Protein change: p.Ala376Pro; replaces alanine 376 with proline.
Molecular consequence: missense variant.
Genome position (GRCh38, 1-based): chr17:6,474,564, C>G on the plus strand (G>C on the coding strand, the complement: PITPNM3 is on the minus strand). VCF-style: chr17-6474564-C-G. GRCh37 (hg19) VCF-style: chr17-6377884-C-G.
Other names: c.1018G>C, p.Ala340Pro (NM_001165966.2); short protein forms A340P, A376P.
Identifiers: ClinVar variation 1363193 (VCV001363193.8), dbSNP rs370302780, ClinGen allele CA287318190.

ClinVar aggregate classification (germline): Uncertain significance (1 of 4 stars; one submission).

Allele frequency attached by ClinVar (database versions not stated): TOPMed below 0.00001.

Submission:

Labcorp Genetics (formerly Invitae), Labcorp
Classification: Uncertain significance. Last evaluated: 2022-01-06. Review status: criteria provided, single submitter. Criteria: Invitae Variant Classification Sherloc (09022015). Collection method: clinical testing. Allele origin: germline.
Comment: In summary, the available evidence is currently insufficient to determine the role of this variant in disease. Therefore, it has been classified as a Variant of Uncertain Significance. Algorithms developed to predict the effect of missense changes on protein structure and function (SIFT, PolyPhen-2, Align-GVGD) all suggest that this variant is likely to be tolerated. This variant has not been reported in the literature in individuals affected with PITPNM3-related conditions. This variant is not present in population databases (gnomAD no frequency). This sequence change replaces alanine, which is neutral and non-polar, with proline, which is neutral and non-polar, at codon 376 of the PITPNM3 protein (p.Ala376Pro).